The following is an entry in ClinVar:

ClinVar aggregate classification (germline): Uncertain significance (1 of 4 stars; one submission).

Submission:

GeneDx
Classification: Uncertain significance. Last evaluated: 2022-09-21. Review status: criteria provided, single submitter. Criteria: GeneDx Variant Classification Process June 2021. Collection method: clinical testing. Allele origin: germline. Affected: yes.
Comment: Not observed at significant frequency in large population cohorts (gnomAD); In silico analysis supports that this missense variant has a deleterious effect on protein structure/function; Has not been previously published as pathogenic or benign to our knowledge

NM_001256627.2(BRSK2):c.97G>A (p.Val33Met)

Gene: BRSK2 (BR serine/threonine kinase 2; plus strand). Cytogenetic location: 11p15.5.
Variant type: single nucleotide variant.
Coding change: c.97G>A on transcript NM_001256627.2 (MANE Select); coding-DNA position 97, G replaced by A.
Protein change: p.Val33Met; replaces valine 33 with methionine.
Molecular consequence: missense variant. On other transcripts: 5 prime UTR variant (1), non-coding transcript variant (1).
Genome position (GRCh38, 1-based): chr11:1,436,045, G>A. VCF-style: chr11-1436045-G-A. GRCh37 (hg19) VCF-style: chr11-1457275-G-A.
Other names: c.97G>A, p.Val33Met (NM_001256629.2, NM_003957.4); c.235G>A, p.Val79Met (NM_001256630.1); c.-84G>A (NM_001282218.2); short protein forms V33M, V79M.
Identifiers: ClinVar variation 2446195 (VCV002446195.1), dbSNP rs2539345222, ClinGen allele CA379055323.